The following is an entry in ClinVar:

ClinVar aggregate classification (germline): Pathogenic (1 of 4 stars; one submission).

Submission:

Labcorp Genetics (formerly Invitae), Labcorp
Classification: Pathogenic. Last evaluated: 2023-07-26. Review status: criteria provided, single submitter. Criteria: Invitae Variant Classification Sherloc (09022015). Collection method: clinical testing. Allele origin: germline.
Comment: This sequence change creates a premature translational stop signal (p.Gly984*) in the HPS5 gene. It is expected to result in an absent or disrupted protein product. Loss-of-function variants in HPS5 are known to be pathogenic (PMID: 12548288, 15296495, 21833017, 26785811). For these reasons, this variant has been classified as Pathogenic. This variant has not been reported in the literature in individuals affected with HPS5-related conditions. This variant is not present in population databases (gnomAD no frequency).

Literature cited by the submitters: PubMed 12548288; PubMed 15296495; PubMed 21833017; PubMed 26785811.

NM_181507.2(HPS5):c.2949_2950insTA (p.Gly984Ter)

Gene: HPS5 (HPS5 biogenesis of lysosomal organelles complex 2 subunit 2; minus strand). Cytogenetic location: 11p15.1.
Variant type: Insertion.
Coding change: c.2949_2950insTA on transcript NM_181507.2 (MANE Select); coding-DNA positions 2949 to 2950, TA inserted.
Protein change: p.Gly984Ter; replaces glycine 984 with a stop codon.
Molecular consequence: nonsense. On other transcripts: frameshift variant (1).
Genome position: GRCh38 VCF-style: chr11-18285347-C-CTA. GRCh37 (hg19) VCF-style: chr11-18306894-C-CTA.
Other names: c.2607_2608insTA, p.Gly870Ter (NM_007216.4); c.2607_2608insTA, p.Gly870Terfs (NM_181508.2); short protein forms G870*, G984*.
Identifiers: ClinVar variation 2744093 (VCV002744093.3), dbSNP rs2494444651, ClinGen allele CA2697548498.